The following is an entry in ClinVar:

ClinVar aggregate classification (germline): Benign. Review status: criteria provided, multiple submitters, no conflicts (2 of 4 stars). 2 submissions from 2 submitters: Benign (2). Last evaluated 2026-02-01.

Conditions:
Peroxisome biogenesis disorder 2B (PBD2B). Identifiers: Orphanet 44, MedGen C3550234, MONDO:0008736, OMIM 202370.
Peroxisome biogenesis disorder 2A (Zellweger) (PBD2A). Also called: Cerebrohepatorenal syndrome, variant types. Identifiers: Orphanet 912, MedGen C3550273, MONDO:0008954, OMIM 214110.

Allele frequency attached by ClinVar (database versions not stated): gnomAD exomes 0.00076 and 0.00191; ExAC 0.00220; 1000 Genomes Project 0.00519; 1000 Genomes Project 30x 0.00640; gnomAD 0.00776; TOPMed 0.00844; ESP Exome Variant Server 0.00892.
gnomAD v4.1: 2,214 of 1,614,092 alleles (0.14%); highest among the groups gnomAD compares: African/African-American, 2.6%; 24 homozygotes.

Submissions (2):

Labcorp Genetics (formerly Invitae), Labcorp
Classification: Benign for Peroxisome biogenesis disorder 2B. Last evaluated: 2026-02-01. Review status: criteria provided, single submitter. Criteria: Invitae Variant Classification Sherloc (09022015). Collection method: clinical testing. Allele origin: germline.

Illumina Laboratory Services, Illumina
Classification: Benign for Peroxisome biogenesis disorder 2A (Zellweger). Last evaluated: 2018-01-13. Review status: criteria provided, single submitter. Criteria: ICSL Variant Classification Criteria 13 December 2019. Collection method: clinical testing. Allele origin: germline.
Comment: This variant was observed in the ICSL laboratory as part of a predisposition screen in an ostensibly healthy population. It had not been previously curated by ICSL or reported in the Human Gene Mutation Database (HGMD: prior to June 1st, 2018), and was therefore a candidate for classification through an automated scoring system. Utilizing variant allele frequency, disease prevalence and penetrance estimates, and inheritance mode, an automated score was calculated to assess if this variant is too frequent to cause the disease. Based on the score and internal cut-off values, a variant classified as benign is not then subjected to further curation. The score for this variant resulted in a classification of benign for this disease.

NM_001351132.2(PEX5):c.998G>A (p.Arg333His)

Gene: PEX5 (peroxisomal biogenesis factor 5; plus strand). Cytogenetic location: 12p13.31.
Variant type: single nucleotide variant.
Coding change: c.998G>A on transcript NM_001351132.2 (MANE Select); coding-DNA position 998, G replaced by A.
Protein change: p.Arg333His; replaces arginine 333 with histidine.
Molecular consequence: missense variant.
Genome position (GRCh38, 1-based): chr12:7,207,690, G>A. VCF-style: chr12-7207690-G-A. GRCh37 (hg19) VCF-style: chr12-7360286-G-A.
Other names: c.974G>A, p.Arg325His (NM_000319.5); c.1043G>A, p.Arg348His (NM_001131023.2); c.887G>A, p.Arg296His (NM_001131024.2, NM_001351124.3, NM_001351126.2 and 7 more transcripts); c.998G>A, p.Arg333His (NM_001131025.2, NM_001131026.2, NM_001300789.3 and 4 more transcripts); c.932G>A, p.Arg311His (NM_001351135.3, NM_001351138.2); c.989G>A, p.Arg330His (NM_001351136.2); c.863G>A, p.Arg288His (NM_001351139.2, NM_001351140.2, NM_001374649.2); short protein forms R288H, R330H, R311H, R333H, R296H, R325H, R348H.
Identifiers: ClinVar variation 779711 (VCV000779711.14), dbSNP rs59209175, ClinGen allele CA6426344.